The following is an entry in ClinVar:

ClinVar aggregate classification (germline): Benign/Likely benign. Review status: criteria provided, multiple submitters, no conflicts (2 of 4 stars). 2 submissions from 2 submitters: Benign (1); Likely benign (1). Last evaluated 2026-06-15.

Conditions:
Hereditary cancer-predisposing syndrome. Also called: Neoplastic Syndromes, Hereditary; Tumor predisposition; Hereditary Cancer Syndrome; Hereditary neoplastic syndrome. Identifiers: Orphanet 140162, MedGen C0027672, MeSH D009386, MONDO:0015356.
Familial adenomatous polyposis 1 (FAP1). Also called: FAMILIAL ADENOMATOUS POLYPOSIS 1, ATTENUATED; POLYPOSIS, ADENOMATOUS INTESTINAL. Identifiers: MedGen C2713442, MONDO:0021056, OMIM 175100. Disease mechanism: loss of function.

Submissions (2):

Ambry Genetics
Classification: Likely benign for Hereditary cancer-predisposing syndrome. Last evaluated: 2026-06-15. Review status: criteria provided, single submitter. Criteria: Ambry Variant Classification Scheme 2023. Collection method: clinical testing. Allele origin: germline.

Myriad Genetics, Inc.
Classification: Benign for Familial adenomatous polyposis 1. Last evaluated: 2024-04-05. Review status: criteria provided, single submitter. Criteria: Myriad Autosomal Dominant, Autosomal Recessive and X-Linked Classification Criteria (2023). Collection method: clinical testing. Allele origin: unknown.
Comment: This variant is considered benign. This variant is a silent/synonymous amino acid change and it is not expected to impact splicing.

NM_000038.6(APC):c.6657A>C (p.Ala2219=)

Gene: APC (APC regulator of Wnt signaling pathway; plus strand). Cytogenetic location: 5q22.2.
Variant type: single nucleotide variant.
Coding change: c.6657A>C on transcript NM_000038.6 (MANE Select); coding-DNA position 6657, A replaced by C.
Protein change: p.Ala2219=; no amino-acid change (alanine 2219 retained).
Molecular consequence: synonymous variant. On other transcripts: non-coding transcript variant (2).
Genome position (GRCh38, 1-based): chr5:112,842,251, A>C. VCF-style: chr5-112842251-A-C. GRCh37 (hg19) VCF-style: chr5-112177948-A-C.
Other names: c.6657A>C, p.Ala2219= (NM_001127510.3, NM_001354895.2, NM_001407450.1); c.6603A>C, p.Ala2201= (NM_001127511.3); c.6711A>C, p.Ala2237= (NM_001354896.2, NM_001407447.1, NM_001407448.1 and 1 more transcripts); c.6687A>C, p.Ala2229= (NM_001354897.2); c.6582A>C, p.Ala2194= (NM_001354898.2); c.6573A>C, p.Ala2191= (NM_001354899.2); c.6534A>C, p.Ala2178= (NM_001354900.2); c.6480A>C, p.Ala2160= (NM_001354901.2, NM_001407453.1); and 12 more.
Identifiers: ClinVar variation 3254156 (VCV003254156.2), dbSNP rs2149969953.